The following is an entry in ClinVar:

ClinVar aggregate classification (germline): Uncertain significance (1 of 4 stars; one submission).

Submission:

Labcorp Genetics (formerly Invitae), Labcorp
Classification: Uncertain significance. Last evaluated: 2022-11-17. Review status: criteria provided, single submitter. Criteria: Invitae Variant Classification Sherloc (09022015). Collection method: clinical testing. Allele origin: germline.
Comment: In summary, the available evidence is currently insufficient to determine the role of this variant in disease. Therefore, it has been classified as a Variant of Uncertain Significance. Advanced modeling of protein sequence and biophysical properties (such as structural, functional, and spatial information, amino acid conservation, physicochemical variation, residue mobility, and thermodynamic stability) performed at Invitae indicates that this missense variant is not expected to disrupt TCF3 protein function. This variant has not been reported in the literature in individuals affected with TCF3-related conditions. This variant is not present in population databases (gnomAD no frequency). This sequence change replaces serine, which is neutral and polar, with asparagine, which is neutral and polar, at codon 352 of the TCF3 protein (p.Ser352Asn).

NM_003200.5(TCF3):c.1055G>A (p.Ser352Asn)

Gene: TCF3 (transcription factor 3; minus strand). Cytogenetic location: 19p13.3.
Variant type: single nucleotide variant.
Coding change: c.1055G>A on transcript NM_003200.5 (MANE Select); coding-DNA position 1055, G replaced by A.
Protein change: p.Ser352Asn; replaces serine 352 with asparagine.
Molecular consequence: missense variant.
Genome position (GRCh38, 1-based): chr19:1,621,006, C>T on the plus strand (G>A on the coding strand, the complement: TCF3 is on the minus strand). VCF-style: chr19-1621006-C-T. GRCh37 (hg19) VCF-style: chr19-1621005-C-T.
Other names: c.1055G>A, p.Ser352Asn (NM_001136139.4, NM_001351778.2, NM_001351779.2); short protein forms S352N.
Identifiers: ClinVar variation 2957681 (VCV002957681.3), dbSNP rs878870886, ClinGen allele CA304103328.